The following is an entry in ClinVar:

NM_194248.3(OTOF):c.2317C>T (p.Arg773Cys)

Gene: OTOF (otoferlin; minus strand). Cytogenetic location: 2p23.3.
Variant type: single nucleotide variant.
Coding change: c.2317C>T on transcript NM_194248.3 (MANE Select); coding-DNA position 2317, C replaced by T.
Protein change: p.Arg773Cys; replaces arginine 773 with cysteine.
Molecular consequence: missense variant.
Genome position (GRCh38, 1-based): chr2:26,477,505, G>A on the plus strand (C>T on the coding strand, the complement: OTOF is on the minus strand). VCF-style: chr2-26477505-G-A. GRCh37 (hg19) VCF-style: chr2-26700373-G-A.
Other names: c.2317C>T, p.Arg773Cys (NM_001287489.2); c.76C>T, p.Arg26Cys (NM_004802.4, NM_194323.3); c.247C>T, p.Arg83Cys (NM_194322.3); short protein forms R773C, R26C, R83C.
Identifiers: ClinVar variation 21833 (VCV000021833.27), dbSNP rs80356569, ClinGen allele CA142793.

ClinVar aggregate classification (germline): Benign/Likely benign. Review status: criteria provided, multiple submitters, no conflicts (2 of 4 stars). 13 submissions from 13 submitters: Benign (7); Likely benign (2). 4 of the submissions do not count toward it. Last evaluated 2026-02-04.

Conditions:
Autosomal recessive nonsyndromic hearing loss 9. Also called: NEUROSENSORY NONSYNDROMIC RECESSIVE DEAFNESS 9; OTOF-Related Hearing Loss; Deafness, autosomal recessive 9; AUDITORY NEUROPATHY, AUTOSOMAL RECESSIVE, 1, TEMPERATURE-SENSITIVE. Identifiers: Orphanet 90636, MedGen C1832828, MONDO:0010986, OMIM 601071.

Allele frequency attached by ClinVar (database versions not stated): gnomAD exomes 0.01539; gnomAD 0.01549; ESP Exome Variant Server 0.01589; 1000 Genomes Project 0.01737; TOPMed 0.01739; 1000 Genomes Project 30x 0.01796; ExAC 0.02277.
gnomAD v4.1: 22,609 of 1,602,582 alleles (1.4%); highest among the groups gnomAD compares: Middle Eastern, 5.4%; 257 homozygotes.

Submissions (13):

Labcorp Genetics (formerly Invitae), Labcorp
Classification: Benign. Last evaluated: 2026-02-04. Review status: criteria provided, single submitter. Criteria: Invitae Variant Classification Sherloc (09022015). Collection method: clinical testing. Allele origin: germline.

ARUP Laboratories, Molecular Genetics and Genomics, ARUP Laboratories
Classification: Benign. Last evaluated: 2023-11-08. Review status: criteria provided, single submitter. Criteria: ARUP Molecular Germline Variant Investigation Process 2024. Collection method: clinical testing. Allele origin: germline.

Mayo Clinic Laboratories, Mayo Clinic
Classification: Benign. Last evaluated: 2022-04-08. Review status: criteria provided, single submitter. Criteria: ACMG Guidelines, 2015. Collection method: clinical testing. Allele origin: germline. Observed: 6 variant alleles.

Athena Diagnostics
Classification: Benign. Last evaluated: 2019-08-05. Review status: criteria provided, single submitter. Criteria: Athena Diagnostics Criteria. Collection method: clinical testing. Allele origin: germline.

GeneDx
Classification: Benign. Last evaluated: 2018-07-19. Review status: criteria provided, single submitter. Criteria: GeneDx Variant Classification Process June 2021. Collection method: clinical testing. Allele origin: germline. Affected: yes.
Comment: This variant is associated with the following publications: (PMID: 22607986, 12114484, 16371502, 19461658)

Illumina Laboratory Services, Illumina
Classification: Likely benign for Autosomal recessive nonsyndromic hearing loss 9. Last evaluated: 2017-04-27. Review status: criteria provided, single submitter. Criteria: ICSL Variant Classification Criteria 13 December 2019. Collection method: clinical testing. Allele origin: germline.
Comment: This variant was observed as part of a predisposition screen in an ostensibly healthy population. A literature search was performed for the gene, cDNA change, and amino acid change (where applicable). Publications were found based on this search. The evidence from the literature, in combination with allele frequency data from public databases where available, was sufficient to determine this variant is unlikely to cause disease. Therefore, this variant is classified as likely benign.

Laboratory for Molecular Medicine, Mass General Brigham Personalized Medicine
Classification: Benign. Last evaluated: 2009-07-20. Review status: criteria provided, single submitter. Criteria: LMM Criteria. Collection method: clinical testing. Allele origin: germline. Observed: 93 variant alleles.

Breakthrough Genomics
Classification: Likely benign. Review status: criteria provided, single submitter. Criteria: ACMG Guidelines, 2015. Collection method: not provided. Allele origin: germline. Inheritance: Autosomal recessive inheritance. Affected: yes.

PreventionGenetics, part of Exact Sciences
Classification: Benign. Review status: criteria provided, single submitter. Criteria: ACMG Guidelines, 2015. Collection method: clinical testing. Allele origin: germline.

Clinical Genetics DNA and cytogenetics Diagnostics Lab, Erasmus MC, Erasmus Medical Center
Classification: Benign. Review status: no assertion criteria provided. Collection method: clinical testing. Allele origin: germline. Affected: yes. Study: VKGL Data-share Consensus. Not counted in ClinVar's aggregate classification.

GeneReviews
No classification provided. Condition: Autosomal recessive nonsyndromic hearing loss 9. Review status: no classification provided. Collection method: literature only. Allele origin: unknown. Not counted in ClinVar's aggregate classification.

Joint Genome Diagnostic Labs from Nijmegen and Maastricht, Radboudumc and MUMC+
Classification: Benign. Review status: no assertion criteria provided. Collection method: clinical testing. Allele origin: germline. Affected: yes. Study: VKGL Data-share Consensus. Not counted in ClinVar's aggregate classification.

Laboratory of Diagnostic Genome Analysis, Leiden University Medical Center (LUMC)
Classification: Likely benign. Review status: no assertion criteria provided. Collection method: clinical testing. Allele origin: germline. Affected: yes. Study: VKGL Data-share Consensus. Not counted in ClinVar's aggregate classification.

Literature cited by the submitters: PubMed 12114484 (cited by 3 submitters); PubMed 19461658 (cited by Athena Diagnostics and Illumina Laboratory Services, Illumina); PubMed 22607986 (cited by 3 submitters); PubMed 16371502 (cited by Athena Diagnostics); PubMed 29752989 (cited by Athena Diagnostics); PubMed 20301429 (cited by GeneReviews); NCBI Bookshelf NBK1251 (cited by GeneReviews).